The following is an entry in ClinVar:

ClinVar aggregate classification (germline): Uncertain significance (1 of 4 stars; one submission).

Submission:

GeneDx
Classification: Uncertain significance. Last evaluated: 2022-12-12. Review status: criteria provided, single submitter. Criteria: GeneDx Variant Classification Process June 2021. Collection method: clinical testing. Allele origin: germline. Affected: yes.
Comment: Not observed at significant frequency in large population cohorts (gnomAD); Frameshift variant predicted to result in protein truncation, as the last 89 amino acids are replaced with 47 different amino acids, and other loss-of-function variants have been reported downstream in HGMD; Has not been previously published as pathogenic or benign to our knowledge

NM_020822.3(KCNT1):c.3439dup (p.Gln1147fs)

Gene: KCNT1 (potassium sodium-activated channel subfamily T member 1; plus strand). Cytogenetic location: 9q34.3.
Variant type: Duplication.
Coding change: c.3439dup on transcript NM_020822.3 (MANE Select); coding-DNA position 3439, one base duplicated (C; older notation c.3439dupC).
Protein change: p.Gln1147fs; shifts the reading frame from glutamine 1147.
Molecular consequence: frameshift variant.
Genome position (GRCh38, 1-based): chr9:135,786,458, C duplicated; the last of 2 consecutive C bases (chr9:135,786,457-135,786,458); duplicating either gives the same sequence. VCF-style (leftmost placement, unchanged base first): chr9-135786456-G-GC. GRCh37 (hg19) VCF-style: chr9-138678302-G-GC.
Other names: c.3304dup, p.Gln1102fs (NM_001272003.2); short protein forms Q1102fs, Q1147fs.
Identifiers: ClinVar variation 2504716 (VCV002504716.1), dbSNP rs2491108199, ClinGen allele CA2580617151.